The following is an entry in ClinVar:

NM_000222.3(KIT):c.2681A>G (p.His894Arg)

Gene: KIT (KIT proto-oncogene, receptor tyrosine kinase; plus strand). Cytogenetic location: 4q12.
Variant type: single nucleotide variant.
Coding change: c.2681A>G on transcript NM_000222.3 (MANE Select); coding-DNA position 2681, A replaced by G.
Protein change: p.His894Arg; replaces histidine 894 with arginine.
Molecular consequence: missense variant.
Genome position (GRCh38, 1-based): chr4:54,736,805, A>G. VCF-style: chr4-54736805-A-G. GRCh37 (hg19) VCF-style: chr4-55602971-A-G.
Other names: c.2669A>G, p.His890Arg (NM_001093772.2, NM_001385292.1); c.2684A>G, p.His895Arg (NM_001385284.1); c.2678A>G, p.His893Arg (NM_001385285.1); c.2666A>G, p.His889Arg (NM_001385286.1); c.2672A>G, p.His891Arg (NM_001385288.1); c.2681A>G, p.His894Arg (NM_001385290.1); short protein forms H889R, H890R, H891R, H893R, H894R, H895R.
Identifiers: ClinVar variation 1722110 (VCV001722110.6), dbSNP rs2475583964, ClinGen allele CA356914043.

ClinVar aggregate classification (germline): Uncertain significance (1 of 4 stars; one submission).

Conditions:
Gastrointestinal stromal tumor. Also called: Gastrointestinal stroma tumor; Gastrointestinal stromal tumor, somatic. Identifiers: Orphanet 44890, MedGen C0238198, MeSH D046152, MONDO:0011719, OMIM 606764, HP:0100723.

Submission:

Labcorp Genetics (formerly Invitae), Labcorp
Classification: Uncertain significance for Gastrointestinal stromal tumor. Last evaluated: 2022-10-24. Review status: criteria provided, single submitter. Criteria: Invitae Variant Classification Sherloc (09022015). Collection method: clinical testing. Allele origin: germline.
Comment: This sequence change replaces histidine, which is basic and polar, with arginine, which is basic and polar, at codon 894 of the KIT protein (p.His894Arg). This variant is not present in population databases (gnomAD no frequency). This variant has not been reported in the literature in individuals affected with KIT-related conditions. Algorithms developed to predict the effect of missense changes on protein structure and function are either unavailable or do not agree on the potential impact of this missense change (SIFT: "Tolerated"; PolyPhen-2: "Possibly Damaging"; Align-GVGD: "Class C0"). In summary, the available evidence is currently insufficient to determine the role of this variant in disease. Therefore, it has been classified as a Variant of Uncertain Significance.